The following is an entry in ClinVar:

NM_001458.5(FLNC):c.4550T>G (p.Val1517Gly)

Gene: FLNC (filamin C; plus strand). Cytogenetic location: 7q32.1.
Variant type: single nucleotide variant.
Coding change: c.4550T>G on transcript NM_001458.5 (MANE Select); coding-DNA position 4550, T replaced by G.
Protein change: p.Val1517Gly; replaces valine 1517 with glycine.
Molecular consequence: missense variant.
Genome position (GRCh38, 1-based): chr7:128,848,038, T>G. VCF-style: chr7-128848038-T-G. GRCh37 (hg19) VCF-style: chr7-128488092-T-G.
Other names: c.4550T>G, p.Val1517Gly (NM_001127487.2); short protein forms V1517G.
Identifiers: ClinVar variation 2922241 (VCV002922241.3), dbSNP rs2536646620, ClinGen allele CA369201995.
Genomic context (GRCh38, chr7:128,848,038, plus strand): 5'-GAGATGGCACCCACACTGTCCACTACACCCCAGCCACTGACGGGCCCTACACGGTAGCCG[T>G]CAAGTATGCTGACCAGGAGGTGCCACGCAGGTGAGGACCAGCCCTGGGCTCCTGTGCTGC-3'
Protein context (NP_001449.3, residues 1507-1527): PATDGPYTVA[Val1517Gly]KYADQEVPRS

ClinVar aggregate classification (germline): Uncertain significance (1 of 4 stars; one submission).

Conditions:
Myofibrillar myopathy 5. Also called: FILAMINOPATHY, AUTOSOMAL DOMINANT; Filaminopathy (type). Identifiers: Orphanet 171445, MedGen C1836050, MONDO:0012289, OMIM 609524.
Hypertrophic cardiomyopathy 26. Also called: Cardiomyopathy, familial hypertrophic, 26. Identifiers: Orphanet 75249, MedGen C4310749, MONDO:0014883, OMIM 617047.
Distal myopathy with posterior leg and anterior hand involvement. Also called: WILLIAMS DISTAL MYOPATHY. Identifiers: Orphanet 63273, MedGen C3279722, MONDO:0013550, OMIM 614065.

Submission:

Labcorp Genetics (formerly Invitae), Labcorp
Classification: Uncertain significance for Distal myopathy with posterior leg and anterior hand involvement; Myofibrillar myopathy 5; Hypertrophic cardiomyopathy 26. Last evaluated: 2024-01-16. Review status: criteria provided, single submitter. Criteria: Invitae Variant Classification Sherloc (09022015). Collection method: clinical testing. Allele origin: germline.
Comment: This sequence change replaces valine, which is neutral and non-polar, with glycine, which is neutral and non-polar, at codon 1517 of the FLNC protein (p.Val1517Gly). This variant is not present in population databases (gnomAD no frequency). This variant has not been reported in the literature in individuals affected with FLNC-related conditions. Advanced modeling of protein sequence and biophysical properties (such as structural, functional, and spatial information, amino acid conservation, physicochemical variation, residue mobility, and thermodynamic stability) has been performed at Invitae for this missense variant, however the output from this modeling did not meet the statistical confidence thresholds required to predict the impact of this variant on FLNC protein function. In summary, the available evidence is currently insufficient to determine the role of this variant in disease. Therefore, it has been classified as a Variant of Uncertain Significance.